The following is an entry in ClinVar:

NM_004064.5(CDKN1B):c.305C>A (p.Pro102Gln)

Gene: CDKN1B (cyclin dependent kinase inhibitor 1B; plus strand). Cytogenetic location: 12p13.1.
Variant type: single nucleotide variant.
Coding change: c.305C>A on transcript NM_004064.5 (MANE Select); coding-DNA position 305, C replaced by A.
Protein change: p.Pro102Gln; replaces proline 102 with glutamine.
Molecular consequence: missense variant.
Genome position (GRCh38, 1-based): chr12:12,718,144, C>A. VCF-style: chr12-12718144-C-A. GRCh37 (hg19) VCF-style: chr12-12871078-C-A.
Other names: short protein forms P102Q.
Identifiers: ClinVar variation 2165309 (VCV002165309.4), dbSNP rs1421717737, ClinGen allele CA383970146.
Genomic context (GRCh38, chr12:12,718,144, plus strand): 5'-GCAGCTTGCCCGAGTTCTACTACAGACCCCCGCGGCCCCCCAAAGGTGCCTGCAAGGTGC[C>A]GGCGCAGGAGAGCCAGGATGTCAGCGGGAGCCGCCCGGCGGCGCCTTTAATTGGGGCTCC-3'
Protein context (NP_004055.1, residues 92-112): PRPPKGACKV[Pro102Gln]AQESQDVSGS

ClinVar aggregate classification (germline): Uncertain significance (1 of 4 stars; one submission).

Conditions:
Multiple endocrine neoplasia type 4. Also called: MULTIPLE ENDOCRINE NEOPLASIA, TYPE IV. Identifiers: Orphanet 276152, MedGen C1970712, MONDO:0012552, OMIM 610755.

Submission:

Labcorp Genetics (formerly Invitae), Labcorp
Classification: Uncertain significance for Multiple endocrine neoplasia type 4. Last evaluated: 2023-08-30. Review status: criteria provided, single submitter. Criteria: Invitae Variant Classification Sherloc (09022015). Collection method: clinical testing. Allele origin: germline.
Comment: In summary, the available evidence is currently insufficient to determine the role of this variant in disease. Therefore, it has been classified as a Variant of Uncertain Significance. An algorithm developed to predict the effect of missense changes on protein structure and function (PolyPhen-2) suggests that this variant is likely to be tolerated. ClinVar contains an entry for this variant (Variation ID: 2165309). This variant has not been reported in the literature in individuals affected with CDKN1B-related conditions. This variant is not present in population databases (gnomAD no frequency). This sequence change replaces proline, which is neutral and non-polar, with glutamine, which is neutral and polar, at codon 102 of the CDKN1B protein (p.Pro102Gln).